The following is an entry in ClinVar:

ClinVar aggregate classification (germline): Uncertain significance (1 of 4 stars; one submission).

Conditions:
Bethlem myopathy 1A. Also called: MYOPATHY, BENIGN CONGENITAL, WITH CONTRACTURES; Bethlem myopathy 1; Bethlem Muscular Dystrophy. Identifiers: Orphanet 610, MedGen CN029274, MONDO:0024530, OMIM 158810.

Submission:

Labcorp Genetics (formerly Invitae), Labcorp
Classification: Uncertain significance for Bethlem myopathy 1A. Last evaluated: 2024-03-29. Review status: criteria provided, single submitter. Criteria: Invitae Variant Classification Sherloc (09022015). Collection method: clinical testing. Allele origin: germline.
Comment: This sequence change replaces alanine, which is neutral and non-polar, with valine, which is neutral and non-polar, at codon 189 of the COL6A2 protein (p.Ala189Val). This variant is not present in population databases (gnomAD no frequency). This variant has not been reported in the literature in individuals affected with COL6A2-related conditions. Advanced modeling of protein sequence and biophysical properties (such as structural, functional, and spatial information, amino acid conservation, physicochemical variation, residue mobility, and thermodynamic stability) performed at Invitae indicates that this missense variant is not expected to disrupt COL6A2 protein function with a negative predictive value of 80%. In summary, the available evidence is currently insufficient to determine the role of this variant in disease. Therefore, it has been classified as a Variant of Uncertain Significance.

NM_001849.4(COL6A2):c.566C>T (p.Ala189Val)

Gene: COL6A2 (collagen type VI alpha 2 chain; plus strand). Cytogenetic location: 21q22.3.
Variant type: single nucleotide variant.
Coding change: c.566C>T on transcript NM_001849.4 (MANE Select); coding-DNA position 566, C replaced by T.
Protein change: p.Ala189Val; replaces alanine 189 with valine.
Molecular consequence: missense variant.
Genome position (GRCh38, 1-based): chr21:46,112,429, C>T. VCF-style: chr21-46112429-C-T. GRCh37 (hg19) VCF-style: chr21-47532343-C-T.
Other names: c.566C>T, p.Ala189Val (NM_058174.3, NM_058175.3); short protein forms A189V.
Identifiers: ClinVar variation 3702500 (VCV003702500.2).
Genomic context (GRCh38, chr21:46,112,429, plus strand): 5'-CCTGCGGGGGCATCAAGCTGCAGGCCGAGCGGGCCCGCGAGGAGGGCATCCGGCTCTTCG[C>T]CGTGGCCCCCAACCAGAACCTGAAGGAGCAGGGCCTGCGGGACATCGCCAGCACGCCGCA-3'
Protein context (NP_001840.3, residues 179-199): RAREEGIRLF[Ala189Val]VAPNQNLKEQ